The following is an entry in ClinVar:

NM_172107.4(KCNQ2):c.1149-1G>T

Gene: KCNQ2 (potassium voltage-gated channel subfamily Q member 2; minus strand). Cytogenetic location: 20q13.33.
Variant type: single nucleotide variant.
Coding change: c.1149-1G>T on transcript NM_172107.4 (MANE Select); the canonical splice acceptor site of the intron before coding-DNA position 1149, G replaced by T.
Molecular consequence: splice acceptor variant.
Genome position (GRCh38, 1-based): chr20:63,428,436, C>A on the plus strand (G>T on the coding strand, the complement: KCNQ2 is on the minus strand). VCF-style: chr20-63428436-C-A. GRCh37 (hg19) VCF-style: chr20-62059789-C-A.
Other names: c.1119-1G>T (NM_004518.6); c.1149-1G>T (NM_172108.5, NM_172106.3, NM_001382235.1).
Identifiers: ClinVar variation 803620 (VCV000803620.10), dbSNP rs1600714727, ClinGen allele CA409650118.

ClinVar aggregate classification (germline): Pathogenic/Likely pathogenic. Review status: criteria provided, multiple submitters, no conflicts (2 of 4 stars). 2 submissions from 2 submitters: Pathogenic (1); Likely pathogenic (1). Last evaluated 2022-11-15.

Conditions:
Seizures, benign familial neonatal, 1. Also called: Benign Neonatal Epilepsy 1; Seizures, benign neonatal, 1; KCNQ2-Related Benign Familial Neonatal Epilepsy; KCNQ2-Related Self-Limited Familial Neonatal Epilepsy (SLFNE). Identifiers: Orphanet 1949, MedGen C3149074, MONDO:0007365, OMIM 121200.
Early-infantile DEE. Also called: Early infantile epileptic encephalopathy with suppression bursts; Ohtahara syndrome; Early infantile epileptic encephalopathy. Identifiers: Orphanet 1934, MedGen C0393706, MONDO:0800491.

Submissions (2):

Labcorp Genetics (formerly Invitae), Labcorp
Classification: Pathogenic for Early-infantile DEE. Last evaluated: 2022-11-15. Review status: criteria provided, single submitter. Criteria: Invitae Variant Classification Sherloc (09022015). Collection method: clinical testing. Allele origin: germline.
Comment: This sequence change affects an acceptor splice site in intron 9 of the KCNQ2 gene. It is expected to disrupt RNA splicing. Variants that disrupt the donor or acceptor splice site typically lead to a loss of protein function (PMID: 16199547), and loss-of-function variants in KCNQ2 are known to be pathogenic (PMID: 14534157, 23692823, 27779742). This variant is not present in population databases (gnomAD no frequency). Algorithms developed to predict the effect of sequence changes on RNA splicing suggest that this variant may disrupt the consensus splice site. For these reasons, this variant has been classified as Pathogenic. ClinVar contains an entry for this variant (Variation ID: 803620). Disruption of this splice site has been observed in individuals with KCNQ2-related conditions (Invitae).

Mendelics
Classification: Likely pathogenic for Seizures, benign familial neonatal, 1. Last evaluated: 2019-05-28. Review status: criteria provided, single submitter. Criteria: Mendelics Assertion Criteria 2017. Collection method: clinical testing. Allele origin: unknown.

Literature cited by the submitters: PubMed 16199547 (cited by Labcorp Genetics (formerly Invitae), Labcorp); PubMed 14534157 (cited by Labcorp Genetics (formerly Invitae), Labcorp); PubMed 23692823 (cited by Labcorp Genetics (formerly Invitae), Labcorp); PubMed 27779742 (cited by Labcorp Genetics (formerly Invitae), Labcorp).